The following is an entry in ClinVar:

ClinVar aggregate classification (germline): Likely pathogenic (1 of 4 stars; one submission).

Conditions:
Hereditary cancer-predisposing syndrome. Also called: Neoplastic Syndromes, Hereditary; Hereditary neoplastic syndrome; Tumor predisposition; Hereditary Cancer Syndrome. Identifiers: Orphanet 140162, MedGen C0027672, MeSH D009386, MONDO:0015356.

Submission:

Ambry Genetics
Classification: Likely pathogenic for Hereditary cancer-predisposing syndrome. Last evaluated: 2023-01-26. Review status: criteria provided, single submitter. Criteria: Ambry Variant Classification Scheme 2023. Collection method: clinical testing. Allele origin: germline.
Comment: The p.V322D variant (also known as c.965T>A), located in coding exon 7 of the FH gene, results from a T to A substitution at nucleotide position 965. The valine at codon 322 is replaced by aspartic acid, an amino acid with highly dissimilar properties. This alteration has been observed in multiple individuals with a personal and/or family history that is consistent with FH-related disease (Ambry internal data; Toro JR et al. Am J Hum Genet, 2003 Jul;73:95-106; Alam NA et al. Br J Dermatol, 2005 Jul;153:11-7). Of note, this alteration is also designated as T836A and V279D in published literature. Another alteration at the same codon, p.V322G (c.965T>G), has been identified in multiple individuals who meet clinical diagnostic criteria for HLRCC and it has segregated with disease in these families (Ambry internal data). This variant is considered to be rare based on population cohorts in the Genome Aggregation Database (gnomAD). This amino acid position is highly conserved in available vertebrate species. In addition, this alteration is predicted to be deleterious by in silico analysis. Based on the majority of available evidence to date, this variant is likely to be pathogenic.

Literature cited by the submitters: PubMed 12772087; PubMed 16029320.

NM_000143.4(FH):c.965T>A (p.Val322Asp)

Gene: FH (fumarate hydratase; minus strand). Cytogenetic location: 1q43.
Variant type: single nucleotide variant.
Coding change: c.965T>A on transcript NM_000143.4 (MANE Select); coding-DNA position 965, T replaced by A.
Protein change: p.Val322Asp; replaces valine 322 with aspartic acid.
Molecular consequence: missense variant.
Genome position (GRCh38, 1-based): chr1:241,504,185, A>T on the plus strand (T>A on the coding strand, the complement: FH is on the minus strand). VCF-style: chr1-241504185-A-T. GRCh37 (hg19) VCF-style: chr1-241667485-A-T.
Other names: short protein forms V322D.
Identifiers: ClinVar variation 2485528 (VCV002485528.2), dbSNP rs863224003, ClinGen allele CA345438322.